The following is an entry in ClinVar:

NM_005732.4(RAD50):c.1339T>C (p.Ser447Pro)

Gene: RAD50 (RAD50 double strand break repair protein; plus strand). Cytogenetic location: 5q31.1.
Variant type: single nucleotide variant.
Coding change: c.1339T>C on transcript NM_005732.4 (MANE Select); coding-DNA position 1339, T replaced by C.
Protein change: p.Ser447Pro; replaces serine 447 with proline.
Molecular consequence: missense variant.
Genome position (GRCh38, 1-based): chr5:132,589,724, T>C. VCF-style: chr5-132589724-T-C. GRCh37 (hg19) VCF-style: chr5-131925416-T-C.
Other names: short protein forms S447P.
Identifiers: ClinVar variation 962912 (VCV000962912.10), dbSNP rs1750663623, ClinGen allele CA360944107.

ClinVar aggregate classification (germline): Uncertain significance (1 of 4 stars; one submission).

Conditions:
Hereditary cancer-predisposing syndrome. Also called: Tumor predisposition; Hereditary neoplastic syndrome; Hereditary Cancer Syndrome; Neoplastic Syndromes, Hereditary. Identifiers: Orphanet 140162, MedGen C0027672, MeSH D009386, MONDO:0015356.

Submission:

Labcorp Genetics (formerly Invitae), Labcorp
Classification: Uncertain significance for Hereditary cancer-predisposing syndrome. Last evaluated: 2019-11-04. Review status: criteria provided, single submitter. Criteria: Invitae Variant Classification Sherloc (09022015). Collection method: clinical testing. Allele origin: germline.
Comment: In summary, the available evidence is currently insufficient to determine the role of this variant in disease. Therefore, it has been classified as a Variant of Uncertain Significance. Algorithms developed to predict the effect of missense changes on protein structure and function (SIFT, PolyPhen-2, Align-GVGD) all suggest that this variant is likely to be tolerated, but these predictions have not been confirmed by published functional studies and their clinical significance is uncertain. This variant has not been reported in the literature in individuals with RAD50-related conditions. This variant is not present in population databases (ExAC no frequency). This sequence change replaces serine with proline at codon 447 of the RAD50 protein (p.Ser447Pro). The serine residue is weakly conserved and there is a moderate physicochemical difference between serine and proline.